The following is an entry in ClinVar:

NM_001330078.2(NRXN1):c.3365-110016C>T

Gene: NRXN1 (neurexin 1; minus strand). Cytogenetic location: 2p16.3.
Variant type: single nucleotide variant.
Coding change: c.3365-110016C>T on transcript NM_001330078.2 (MANE Select); 110016 bases into the intron before coding-DNA position 3365, C replaced by T.
Molecular consequence: intron variant. On other transcripts: 5 prime UTR variant (4).
Genome position (GRCh38, 1-based): chr2:50,346,986, G>A on the plus strand (C>T on the coding strand, the complement: NRXN1 is on the minus strand). VCF-style: chr2-50346986-G-A. GRCh37 (hg19) VCF-style: chr2-50574124-G-A.
Other names: c.-37C>T (NM_001330091.2, NM_001330092.2, NM_001330097.2 and 1 more transcripts); c.3254-110016C>T (NM_001330096.2, NM_001330087.2); c.3299-110016C>T (NM_001330083.2, NM_001330084.2); c.3284-110016C>T (NM_001330088.2); c.3362-110016C>T (NM_001330093.2); c.3353-110016C>T (NM_001330094.2); c.3314-110016C>T (NM_001330095.2); c.3341-110016C>T (NM_001330082.2, NM_001330077.2); and 3 more.
Identifiers: ClinVar variation 383883 (VCV000383883.1), dbSNP rs1057521771, ClinGen allele CA16604327.

ClinVar aggregate classification (germline): Likely benign (1 of 4 stars; one submission).

Allele frequency attached by ClinVar (database versions not stated): gnomAD exomes 0.00001; gnomAD 0.00002 and 0.00003; TOPMed 0.00003.
gnomAD v4.1: 11 of 1,360,132 alleles (0.00081%); highest among the groups gnomAD compares: African/African-American, 0.014%; no homozygotes.

Submission:

GeneDx
Classification: Likely benign. Last evaluated: 2016-02-24. Review status: criteria provided, single submitter. Criteria: GeneDx Variant Classification (06012015). Collection method: clinical testing. Allele origin: germline. Affected: yes.
Comment: This variant is considered likely benign or benign based on one or more of the following criteria: it is a conservative change, it occurs at a poorly conserved position in the protein, it is predicted to be benign by multiple in silico algorithms, and/or has population frequency not consistent with disease.